The following is an entry in ClinVar:

NM_014874.4(MFN2):c.221A>G (p.Gln74Arg)

Gene: MFN2 (mitofusin 2; plus strand). Cytogenetic location: 1p36.22.
Variant type: single nucleotide variant.
Coding change: c.221A>G on transcript NM_014874.4 (MANE Select); coding-DNA position 221, A replaced by G.
Protein change: p.Gln74Arg; replaces glutamine 74 with arginine.
Molecular consequence: missense variant.
Genome position (GRCh38, 1-based): chr1:11,992,600, A>G. VCF-style: chr1-11992600-A-G. GRCh37 (hg19) VCF-style: chr1-12052657-A-G.
Other names: c.221A>G, p.Gln74Arg (NM_001127660.2); short protein forms Q74R.
Identifiers: ClinVar variation 637311 (VCV000637311.47), dbSNP rs1569815882, ClinGen allele CA338461803.
Genomic context (GRCh38, chr1:11,992,600, plus strand): 5'-AATCCCCACCTCCAGACACGTACAGGAATGCAGAACTGGACCCCGTTACCACAGAAGAAC[A>G]GGTTCTGGACGTCAAAGGTTACCTATCCAAAGTGAGAGGCATCAGTGAGGTGCTGGCTCG-3'
Protein context (NP_055689.1, residues 64-84): AELDPVTTEE[Gln74Arg]VLDVKGYLSK

ClinVar aggregate classification (germline): Conflicting classifications of pathogenicity. Review status: criteria provided, conflicting classifications (1 of 4 stars). 3 submissions from 3 submitters: Likely pathogenic (1); Uncertain significance (1). 1 of the submissions does not count toward it. Last evaluated 2022-09-13.

Conditions:
Charcot-Marie-Tooth disease type 2. Also called: Charcot-Marie-Tooth type 2. Identifiers: Orphanet 64746, MedGen C0270914, MONDO:0018993.
Charcot-Marie-Tooth disease. Also called: Charcot-Marie-Tooth Hereditary Neuropathy; Charcot-Marie-Tooth Neuropathy. Identifiers: Orphanet 166, MedGen C0007959, MONDO:0015626.

Submissions (3):

Labcorp Genetics (formerly Invitae), Labcorp
Classification: Uncertain significance for Charcot-Marie-Tooth disease type 2. Last evaluated: 2022-09-13. Review status: criteria provided, single submitter. Criteria: Invitae Variant Classification Sherloc (09022015). Collection method: clinical testing. Allele origin: germline.
Comment: This sequence change replaces glutamine, which is neutral and polar, with arginine, which is basic and polar, at codon 74 of the MFN2 protein (p.Gln74Arg). This variant is not present in population databases (gnomAD no frequency). This missense change has been observed in individual(s) with Charcot-Marie-Tooth disease type 2A (PMID: 22926664). ClinVar contains an entry for this variant (Variation ID: 637311). Advanced modeling of protein sequence and biophysical properties (such as structural, functional, and spatial information, amino acid conservation, physicochemical variation, residue mobility, and thermodynamic stability) performed at Invitae indicates that this missense variant is expected to disrupt MFN2 protein function. In summary, the available evidence is currently insufficient to determine the role of this variant in disease. Therefore, it has been classified as a Variant of Uncertain Significance.

CeGaT Center for Human Genetics Tuebingen
Classification: Likely pathogenic. Last evaluated: 2020-02-01. Review status: criteria provided, single submitter. Criteria: CeGaT Center For Human Genetics Tuebingen Variant Classification Criteria Version 2. Collection method: clinical testing. Allele origin: germline. Affected: yes. Observed: 1 variant allele.

Inherited Neuropathy Consortium
Classification: Uncertain significance for Charcot-Marie-Tooth disease. Review status: no assertion criteria provided. Collection method: literature only. Allele origin: germline. Affected: yes. Not counted in ClinVar's aggregate classification.

Literature cited by the submitters: PubMed 22926664 (cited by Labcorp Genetics (formerly Invitae), Labcorp and Inherited Neuropathy Consortium).